The following is an entry in ClinVar:

ClinVar aggregate classification (germline): Uncertain significance (1 of 4 stars; one submission).

Conditions:
Inborn genetic diseases. Identifiers: MedGen C0950123, MeSH D030342.

Submission:

Ambry Genetics
Classification: Uncertain significance for Inborn genetic diseases. Last evaluated: 2024-07-28. Review status: criteria provided, single submitter. Criteria: Ambry Variant Classification Scheme 2023. Collection method: clinical testing. Allele origin: germline.
Comment: The p.P253T variant (also known as c.757C>A), located in coding exon 8 of the SGCD gene, results from a C to A substitution at nucleotide position 757. The proline at codon 253 is replaced by threonine, an amino acid with highly similar properties. This amino acid position is conserved. In addition, this alteration is predicted to be tolerated by in silico analysis. Based on the available evidence, the clinical significance of this variant remains unclear.

NM_000337.6(SGCD):c.757C>A (p.Pro253Thr)

Gene: SGCD (sarcoglycan delta; plus strand). Cytogenetic location: 5q33.3.
Variant type: single nucleotide variant.
Coding change: c.757C>A on transcript NM_000337.6 (MANE Select); coding-DNA position 757, C replaced by A.
Protein change: p.Pro253Thr; replaces proline 253 with threonine.
Molecular consequence: missense variant.
Genome position (GRCh38, 1-based): chr5:156,759,274, C>A. VCF-style: chr5-156759274-C-A. GRCh37 (hg19) VCF-style: chr5-156186285-C-A.
Other names: c.754C>A, p.Pro252Thr (NM_001128209.2); short protein forms P253T, P252T.
Identifiers: ClinVar variation 3440546 (VCV003440546.1).